The following is an entry in ClinVar:

NM_003072.5(SMARCA4):c.328C>T (p.Pro110Ser)

Gene: SMARCA4 (SWI/SNF related BAF chromatin remodeling complex subunit ATPase 4; plus strand). Cytogenetic location: 19p13.2.
Variant type: single nucleotide variant.
Coding change: c.328C>T on transcript NM_003072.5 (MANE Select); coding-DNA position 328, C replaced by T.
Protein change: p.Pro110Ser; replaces proline 110 with serine.
Molecular consequence: missense variant. On other transcripts: non-coding transcript variant (1).
Genome position (GRCh38, 1-based): chr19:10,985,378, C>T. VCF-style: chr19-10985378-C-T. GRCh37 (hg19) VCF-style: chr19-11096054-C-T.
Other names: c.328C>T, p.Pro110Ser (NM_001128844.3, NM_001128845.2, NM_001128846.2 and 5 more transcripts); short protein forms P110S.
Identifiers: ClinVar variation 1512608 (VCV001512608.6), dbSNP rs2145752088, ClinGen allele CA404055303.

ClinVar aggregate classification (germline): Uncertain significance (1 of 4 stars; one submission).

Conditions:
Rhabdoid tumor predisposition syndrome 2 (RTPS2). Identifiers: Orphanet 231108, Orphanet 69077, MedGen C2750074, MONDO:0013224, OMIM 613325.

Submission:

Labcorp Genetics (formerly Invitae), Labcorp
Classification: Uncertain significance for Rhabdoid tumor predisposition syndrome 2. Last evaluated: 2021-08-14. Review status: criteria provided, single submitter. Criteria: Invitae Variant Classification Sherloc (09022015). Collection method: clinical testing. Allele origin: germline.
Comment: This variant is not present in population databases (ExAC no frequency). This sequence change replaces proline with serine at codon 110 of the SMARCA4 protein (p.Pro110Ser). The proline residue is highly conserved and there is a moderate physicochemical difference between proline and serine. This variant has not been reported in the literature in individuals affected with SMARCA4-related conditions. In summary, the available evidence is currently insufficient to determine the role of this variant in disease. Therefore, it has been classified as a Variant of Uncertain Significance. Algorithms developed to predict the effect of missense changes on protein structure and function (SIFT, PolyPhen-2, Align-GVGD) all suggest that this variant is likely to be disruptive.